The following is an entry in ClinVar:

ClinVar aggregate classification (germline): Benign (0 of 4 stars; one submission).

Conditions:
MAPK8IP3-related disorder. Also called: MAPK8IP3-related condition.

Allele frequency attached by ClinVar (database versions not stated): 1000 Genomes Project 0.08546; 1000 Genomes Project 30x 0.08620; ExAC 0.08635; TOPMed 0.08843; gnomAD 0.09160; ESP Exome Variant Server 0.09430; gnomAD exomes 0.09784.
gnomAD v4.1: 156,655 of 1,613,412 alleles (9.7%); highest among the groups gnomAD compares: Middle Eastern, 11%; 7,847 homozygotes.

Submission:

PreventionGenetics, part of Exact Sciences
Classification: Benign for MAPK8IP3-related condition. Last evaluated: 2019-11-12. Review status: no assertion criteria provided. Collection method: clinical testing. Allele origin: germline.
Comment: This variant is classified as benign based on ACMG/AMP sequence variant interpretation guidelines (Richards et al. 2015 PMID: 25741868, with internal and published modifications).

NM_001318852.2(MAPK8IP3):c.768C>T (p.Ser256=)

Gene: MAPK8IP3 (mitogen-activated protein kinase 8 interacting protein 3; plus strand). Cytogenetic location: 16p13.3.
Variant type: single nucleotide variant.
Coding change: c.768C>T on transcript NM_001318852.2 (MANE Select); coding-DNA position 768, C replaced by T.
Protein change: p.Ser256=; no amino-acid change (serine 256 retained).
Molecular consequence: synonymous variant.
Genome position (GRCh38, 1-based): chr16:1,747,049, C>T. VCF-style: chr16-1747049-C-T. GRCh37 (hg19) VCF-style: chr16-1797050-C-T.
Other names: c.765C>T, p.Ser255= (NM_001040439.2, NM_015133.5, NM_033392.3).
Identifiers: ClinVar variation 3059557 (VCV003059557.2), dbSNP rs2294613, ClinGen allele CA7816492.